The following is an entry in ClinVar:

ClinVar aggregate classification (germline): Pathogenic (1 of 4 stars; one submission).

Conditions:
Polycystic kidney disease, adult type (PKD1). Also called: Polycystic Kidney Disease 1, Autosomal Dominant; Polycystic kidney disease 1; Polycystic kidney disease 1, severe; Polycystic Kidney, Autosomal Dominant; POLYCYSTIC KIDNEY DISEASE 1 WITH OR WITHOUT POLYCYSTIC LIVER DISEASE; POLYCYSTIC KIDNEY DISEASE, ADULT, TYPE I. Identifiers: MedGen C3149841, MONDO:0008263, OMIM 173900.

Submission:

Women's Health and Genetics/Laboratory Corporation of America, LabCorp
Classification: Pathogenic for Polycystic kidney disease, adult type. Last evaluated: 2025-05-01. Review status: criteria provided, single submitter. Criteria: LabCorp Variant Classification Summary - May 2015. Collection method: clinical testing. Allele origin: germline.
Comment: Variant summary: PKD1 c.2852delT (p.Val951GlyfsX25) results in a premature termination codon, predicted to cause a truncation of the encoded protein or absence of the protein due to nonsense mediated decay, which are commonly known mechanisms for disease. The variant was absent in 234844 control chromosomes. To our knowledge, no occurrence of c.2852delT in individuals affected with Polycystic Kidney Disease 1 and no experimental evidence demonstrating its impact on protein function have been reported. No submitters have cited clinical-significance assessments for this variant to ClinVar. Based on the evidence outlined above, the variant was classified as pathogenic.

NM_001009944.3(PKD1):c.2852del (p.Val951fs)

Gene: PKD1 (polycystin 1, transient receptor potential channel interacting; minus strand). Cytogenetic location: 16p13.3.
Variant type: Deletion.
Coding change: c.2852del on transcript NM_001009944.3 (MANE Select); coding-DNA position 2852, one base deleted (T; older notation c.2852delT).
Protein change: p.Val951fs; shifts the reading frame from valine 951.
Molecular consequence: frameshift variant.
Genome position (GRCh38, 1-based): chr16:2,114,171, A deleted on the plus strand (T on the coding strand, the reverse complement: PKD1 is on the minus strand). VCF-style (leftmost placement, unchanged base first): chr16-2114170-CA-C. GRCh37 (hg19) VCF-style: chr16-2164171-CA-C.
Other names: c.2852delT (NM_001009944.3); c.2852del, p.Val951fs (NM_000296.4); short protein forms V951fs.
Identifiers: ClinVar variation 3902613 (VCV003902613.1).